The following is an entry in ClinVar:

NM_003954.5(MAP3K14):c.1928C>G (p.Ser643Cys)

Gene: MAP3K14 (mitogen-activated protein kinase kinase kinase 14; minus strand). Cytogenetic location: 17q21.31.
Variant type: single nucleotide variant.
Coding change: c.1928C>G on transcript NM_003954.5 (MANE Select); coding-DNA position 1928, C replaced by G.
Protein change: p.Ser643Cys; replaces serine 643 with cysteine.
Molecular consequence: missense variant.
Genome position (GRCh38, 1-based): chr17:45,270,457, G>C on the plus strand (C>G on the coding strand, the complement: MAP3K14 is on the minus strand). VCF-style: chr17-45270457-G-C. GRCh37 (hg19) VCF-style: chr17-43347824-G-C.
Other names: short protein forms S643C.
Identifiers: ClinVar variation 2071082 (VCV002071082.3), dbSNP rs2508979846, ClinGen allele CA399878651.

ClinVar aggregate classification (germline): Uncertain significance (1 of 4 stars; one submission).

Conditions:
NIK deficiency. Also called: Primary immunodeficiency with multifaceted aberrant lymphoid immunity. Identifiers: Orphanet 447731, MedGen C5680065, MONDO:0018642.

Allele frequency attached by ClinVar (database versions not stated): gnomAD exomes below 0.00001.
gnomAD v4.1: 4 of 1,612,296 alleles (0.00025%); no homozygotes.

Submission:

Labcorp Genetics (formerly Invitae), Labcorp
Classification: Uncertain significance for NIK deficiency. Last evaluated: 2022-07-01. Review status: criteria provided, single submitter. Criteria: Invitae Variant Classification Sherloc (09022015). Collection method: clinical testing. Allele origin: germline.
Comment: In summary, the available evidence is currently insufficient to determine the role of this variant in disease. Therefore, it has been classified as a Variant of Uncertain Significance. Experimental studies and prediction algorithms are not available or were not evaluated, and the functional significance of this variant is currently unknown. This variant has not been reported in the literature in individuals affected with MAP3K14-related conditions. This variant is not present in population databases (gnomAD no frequency). This sequence change replaces serine, which is neutral and polar, with cysteine, which is neutral and slightly polar, at codon 643 of the MAP3K14 protein (p.Ser643Cys).